The following is an entry in ClinVar:

ClinVar aggregate classification (germline): Uncertain significance (1 of 4 stars; one submission).

Conditions:
Fanconi anemia (FA). Also called: Fanconi's anemia. Identifiers: Orphanet 84, MedGen C0015625, MeSH D005199, MONDO:0019391.

Allele frequency attached by ClinVar (database versions not stated): gnomAD 0.00001; gnomAD exomes below 0.00001; TOPMed below 0.00001.
gnomAD v4.1: 6 of 1,199,414 alleles (0.0005%); highest among the groups gnomAD compares: Non-Finnish European, 0.00068%; no homozygotes.

Submission:

Labcorp Genetics (formerly Invitae), Labcorp
Classification: Uncertain significance for Fanconi anemia. Last evaluated: 2022-03-11. Review status: criteria provided, single submitter. Criteria: Invitae Variant Classification Sherloc (09022015). Collection method: clinical testing. Allele origin: germline.
Comment: In summary, the available evidence is currently insufficient to determine the role of this variant in disease. Therefore, it has been classified as a Variant of Uncertain Significance. Algorithms developed to predict the effect of missense changes on protein structure and function output the following: SIFT: "Tolerated"; PolyPhen-2: "Benign"; Align-GVGD: "Class C0". The threonine amino acid residue is found in multiple mammalian species, which suggests that this missense change does not adversely affect protein function. This variant has not been reported in the literature in individuals affected with FANCB-related conditions. This variant is not present in population databases (gnomAD no frequency). This sequence change replaces isoleucine, which is neutral and non-polar, with threonine, which is neutral and polar, at codon 740 of the FANCB protein (p.Ile740Thr).

NM_001018113.3(FANCB):c.2219T>C (p.Ile740Thr)

Gene: FANCB (FA complementation group B; minus strand). Cytogenetic location: Xp22.2.
Variant type: single nucleotide variant.
Coding change: c.2219T>C on transcript NM_001018113.3 (MANE Select); coding-DNA position 2219, T replaced by C.
Protein change: p.Ile740Thr; replaces isoleucine 740 with threonine.
Molecular consequence: missense variant.
Genome position (GRCh38, 1-based): chrX:14,843,928, A>G on the plus strand (T>C on the coding strand, the complement: FANCB is on the minus strand). VCF-style: chrX-14843928-A-G. GRCh37 (hg19) VCF-style: chrX-14862050-A-G.
Other names: c.2219T>C, p.Ile740Thr (NM_001324162.2, NM_001410764.1, NM_152633.4); short protein forms I740T.
Identifiers: ClinVar variation 2053499 (VCV002053499.4), dbSNP rs1238527264, ClinGen allele CA412437901.